The following is an entry in ClinVar:

ClinVar aggregate classification (germline): Uncertain significance (1 of 4 stars; one submission).

Allele frequency attached by ClinVar (database versions not stated): gnomAD exomes below 0.00001.
gnomAD v4.1: 2 of 1,614,178 alleles (0.00012%); highest among the groups gnomAD compares: Non-Finnish European, 0.00017%; no homozygotes.

Submission:

Quest Diagnostics Nichols Institute San Juan Capistrano
Classification: Uncertain significance. Last evaluated: 2025-01-30. Review status: criteria provided, single submitter. Criteria: Quest Diagnostics criteria. Collection method: clinical testing. Allele origin: unknown.
Comment: The MUTYH c.393G>T (p.Trp131Cys) variant has not been reported in the germline of individuals with MUTYH-related conditions in the published literature. It also has not been reported in large, multi-ethnic general populations (Genome Aggregation Database). A related variant with a different amino acid change occurs at the same position in the MUTYH protein, c.391T>A (p.Trp131Arg), and it is associated with MUTYH-associated polyposis. This suggests that the c.393G>T (p.Trp131Cys) variant may also be clinically important. Analysis of this variant using bioinformatics tools for the prediction of the effect of amino acid changes on protein structure and function yielded predictions that this variant is damaging. Additional analysis using software algorithms for the prediction of the effect of nucleotide changes on MUTYH mRNA splicing yielded predictions that this variant may result in the gain of a cryptic splice site without affecting the natural splice sites. Based on the available information, we are unable to determine the clinical significance of this variant.

Literature cited by the submitters: PubMed 30104763.

NM_001048174.2(MUTYH):c.309G>T (p.Trp103Cys)

Gene: MUTYH (mutY DNA glycosylase; minus strand). Cytogenetic location: 1p34.1.
Variant type: single nucleotide variant.
Coding change: c.309G>T on transcript NM_001048174.2 (MANE Select); coding-DNA position 309, G replaced by T.
Protein change: p.Trp103Cys; replaces tryptophan 103 with cysteine.
Molecular consequence: missense variant. On other transcripts: non-coding transcript variant (6), intron variant (3).
Genome position (GRCh38, 1-based): chr1:45,333,166, C>A on the plus strand (G>T on the coding strand, the complement: MUTYH is on the minus strand). VCF-style: chr1-45333166-C-A. GRCh37 (hg19) VCF-style: chr1-45798838-C-A.
Other names: c.309G>T, p.Trp103Cys (NM_001048171.2, NM_001048173.2, NM_001293195.2 and 6 more transcripts); c.312G>T, p.Trp104Cys (NM_001048172.2, NM_001407086.1, NM_001407071.1 and 2 more transcripts); c.393G>T, p.Trp131Cys (NM_001128425.2); c.354G>T, p.Trp118Cys (NM_001293190.2); c.342G>T, p.Trp114Cys (NM_001293191.2, NM_001407077.1); c.33G>T, p.Trp11Cys (NM_001293192.2, NM_001407091.1, NM_001293196.2); c.351G>T, p.Trp117Cys (NM_001407083.1, NM_001407085.1, NM_001407073.1); c.330G>T, p.Trp110Cys (NM_001407087.1); and 3 more; short protein forms W103C, W104C, W110C, W114C, W117C, W118C, W11C, W128C.
Identifiers: ClinVar variation 2682029 (VCV002682029.2), dbSNP rs587781295, ClinGen allele CA340136210.